The following is an entry in ClinVar:

ClinVar aggregate classification (germline): Uncertain significance (1 of 4 stars; one submission).

Submission:

GeneDx
Classification: Uncertain significance. Last evaluated: 2023-10-26. Review status: criteria provided, single submitter. Criteria: GeneDx Variant Classification Process June 2021. Collection method: clinical testing. Allele origin: germline. Affected: yes.
Comment: Not observed at significant frequency in large population cohorts (gnomAD); In silico analysis supports that this missense variant has a deleterious effect on protein structure/function; Has not been previously published as pathogenic or benign to our knowledge

NM_023110.3(FGFR1):c.2176A>G (p.Thr726Ala)

Gene: FGFR1 (fibroblast growth factor receptor 1; minus strand). Cytogenetic location: 8p11.23.
Variant type: single nucleotide variant.
Coding change: c.2176A>G on transcript NM_023110.3 (MANE Select); coding-DNA position 2176, A replaced by G.
Protein change: p.Thr726Ala; replaces threonine 726 with alanine.
Molecular consequence: missense variant.
Genome position (GRCh38, 1-based): chr8:38,414,162, T>C on the plus strand (A>G on the coding strand, the complement: FGFR1 is on the minus strand). VCF-style: chr8-38414162-T-C. GRCh37 (hg19) VCF-style: chr8-38271680-T-C.
Other names: c.2170A>G, p.Thr724Ala (NM_001174063.2, NM_001174065.2, NM_001354367.2 and 1 more transcripts); c.2146A>G, p.Thr716Ala (NM_001174064.2); c.1909A>G, p.Thr637Ala (NM_001174066.2, NM_023105.3); c.2269A>G, p.Thr757Ala (NM_001174067.2); c.1897A>G, p.Thr633Ala (NM_001354368.2); c.2164A>G, p.Thr722Ala (NM_001354369.2, NM_001410922.1); c.1903A>G, p.Thr635Ala (NM_001354370.2, NM_023106.3); short protein forms T633A, T635A, T637A, T716A, T722A, T724A, T726A, T757A.
Identifiers: ClinVar variation 3363227 (VCV003363227.1).